The following is an entry in ClinVar:

ClinVar aggregate classification (germline): Uncertain significance. Review status: criteria provided, multiple submitters, no conflicts (2 of 4 stars). 3 submissions from 3 submitters: Uncertain significance (3). Last evaluated 2026-03-18.

Conditions:
Neuropathy, hereditary sensory and autonomic, type 2A (HSAN2A). Also called: ACROOSTEOLYSIS, GIACCAI TYPE; ACROOSTEOLYSIS, NEUROGENIC; HSAN IIA; WNK1-Related HSAN2 (HSAN2A); MORVAN DISEASE; NEUROPATHY, CONGENITAL SENSORY. Identifiers: Orphanet 970, MedGen C2752089, MONDO:0024309, OMIM 201300.
Generalized epilepsy with febrile seizures plus, type 7 (GEFSP7). Also called: GEFS+, TYPE 7. Identifiers: Orphanet 36387, MedGen C2751778, MONDO:0013470, OMIM 613863.
Inborn genetic diseases. Identifiers: MedGen C0950123, MeSH D030342.
SCN9A-related disorder. Also called: SCN9A-related disorders; SCN9A-related condition.

Allele frequency attached by ClinVar (database versions not stated): gnomAD 0.00001; gnomAD exomes 0.00001; TOPMed 0.00001; ExAC 0.00004.
gnomAD v4.1: 8 of 1,590,920 alleles (0.0005%); highest among the groups gnomAD compares: Admixed American, 0.0017%; no homozygotes.

Submissions (3):

PreventionGenetics, part of Exact Sciences
Classification: Uncertain significance for SCN9A-related condition. Last evaluated: 2026-03-18. Review status: criteria provided, single submitter. Criteria: ACMG Guidelines, 2015. Collection method: clinical testing. Allele origin: germline.
Comment: The SCN9A c.2117T>C variant is predicted to result in the amino acid substitution p.Phe706Ser. To our knowledge, this variant has not been reported in the literature. This variant is reported in 0.0032% of alleles in individuals of Latino descent in gnomAD. At this time, the clinical significance of this variant is uncertain due to the absence of conclusive functional and genetic evidence.

Labcorp Genetics (formerly Invitae), Labcorp
Classification: Uncertain significance for Neuropathy, hereditary sensory and autonomic, type 2A; Generalized epilepsy with febrile seizures plus, type 7. Last evaluated: 2025-11-10. Review status: criteria provided, single submitter. Criteria: Invitae Variant Classification Sherloc (09022015). Collection method: clinical testing. Allele origin: germline.
Comment: This sequence change replaces phenylalanine, which is neutral and non-polar, with serine, which is neutral and polar, at codon 706 of the SCN9A protein (p.Phe706Ser). The frequency data for this variant in the population databases is considered unreliable, as metrics indicate poor data quality at this position in the gnomAD database. This variant has not been reported in the literature in individuals affected with SCN9A-related conditions. ClinVar contains an entry for this variant (Variation ID: 575936). Invitae Evidence Modeling of protein sequence and biophysical properties (such as structural, functional, and spatial information, amino acid conservation, physicochemical variation, residue mobility, and thermodynamic stability) indicates that this missense variant is not expected to disrupt SCN9A protein function with a negative predictive value of 95%. In summary, the available evidence is currently insufficient to determine the role of this variant in disease. Therefore, it has been classified as a Variant of Uncertain Significance.

Ambry Genetics
Classification: Uncertain significance for Inborn genetic diseases. Last evaluated: 2022-06-29. Review status: criteria provided, single submitter. Criteria: Ambry Variant Classification Scheme 2023. Collection method: clinical testing. Allele origin: germline.
Comment: The c.2117T>C (p.F706S) alteration is located in exon 14 (coding exon 13) of the SCN9A gene. This alteration results from a T to C substitution at nucleotide position 2117, causing the phenylalanine (F) at amino acid position 706 to be replaced by a serine (S). Based on data from gnomAD, the C allele has an overall frequency of 0.001% (2/214650) total alleles studied. The highest observed frequency was 0.003% (1/31188) of Latino alleles. This amino acid position is highly conserved in available vertebrate species. This alteration is predicted to be deleterious by in silico analysis. Based on insufficient or conflicting evidence, the clinical significance of this alteration remains unclear.

NM_001365536.1(SCN9A):c.2150T>C (p.Phe717Ser)

Genes: SCN1A-AS1 (SCN1A and SCN9A antisense RNA 1; plus strand), SCN9A (sodium voltage-gated channel alpha subunit 9; minus strand). Cytogenetic location: 2q24.3.
Variant type: single nucleotide variant.
Coding change: c.2150T>C on transcript NM_001365536.1 (MANE Select); coding-DNA position 2150, T replaced by C.
Protein change: p.Phe717Ser; replaces phenylalanine 717 with serine.
Molecular consequence: missense variant.
Genome position (GRCh38, 1-based): chr2:166,280,550, A>G on the plus strand (T>C on the coding strand, the complement: SCN9A is on the minus strand). VCF-style: chr2-166280550-A-G. GRCh37 (hg19) VCF-style: chr2-167137060-A-G.
Other names: c.2117T>C, p.Phe706Ser (NM_002977.4); short protein forms F706S, F717S.
Identifiers: ClinVar variation 575936 (VCV000575936.9), dbSNP rs776026470, ClinGen allele CA1944320.
Genomic context (GRCh38, chr2:166,280,550, plus strand): 5'-ATACACTTTTTGAATTTTATCCAATATGGAGAGCAATTCCAGATCAAGAATTTGTGTGCA[A>G]ATCTGTACCACCAAGGTGGACATTTTTGTCTGGACTCTTCAAGTTCTGGGAGAAAAAAGC-3'
Protein context (NP_001352465.1, residues 707-727): RQKCPPWWYR[Phe717Ser]AHKFLIWNCS